The following is an entry in ClinVar:

NM_001077350.3(NPRL3):c.1194_1205del (p.Gln399_Leu402del)

Genes: HBA-LCR (alpha-globin locus control region; plus strand), NPRL3 (NPR3 like, GATOR1 complex subunit; minus strand). Cytogenetic location: 16p13.3.
Variant type: Deletion.
Coding change: c.1194_1205del on transcript NM_001077350.3 (MANE Select); coding-DNA positions 1194 to 1205, 12 bases deleted (GCAGCGCCGGCT).
Protein change: p.Gln399_Leu402del.
Genome position (GRCh38, 1-based): chr16:89,859-89,870, AGCCGGCGCTGC deleted on the plus strand (GCAGCGCCGGCT on the coding strand, the reverse complement: NPRL3 is on the minus strand); deleting any 12 consecutive bases within chr16:89,859-89,873 gives the same sequence; the c. name uses the placement nearest the transcript's 3' end. VCF-style (leftmost placement, unchanged base first): chr16-89858-AAGCCGGCGCTGC-A. GRCh37 (hg19) VCF-style: chr16-139856-AAGCCGGCGCTGC-A.
Other names: c.657_668del, p.Gln220_Leu223del (NM_001039476.3); c.960_971del, p.Gln321_Leu324del (NM_001243247.2); c.1119_1130del, p.Gln374_Leu377del (NM_001243248.2, NM_001243249.2).
Identifiers: ClinVar variation 3664874 (VCV003664874.2).

ClinVar aggregate classification (germline): Uncertain significance (1 of 4 stars; one submission).

Conditions:
Epilepsy, familial focal, with variable foci 3 (FFEVF3). Identifiers: MedGen C4310708, MONDO:0014925, OMIM 617118.

Submission:

Labcorp Genetics (formerly Invitae), Labcorp
Classification: Uncertain significance for Epilepsy, familial focal, with variable foci 3. Last evaluated: 2024-09-06. Review status: criteria provided, single submitter. Criteria: Invitae Variant Classification Sherloc (09022015). Collection method: clinical testing. Allele origin: germline.
Comment: This variant, c.1194_1205del, results in the deletion of 4 amino acid(s) of the NPRL3 protein (p.Gln399_Leu402del), but otherwise preserves the integrity of the reading frame. This variant is not present in population databases (gnomAD no frequency). This variant has not been reported in the literature in individuals affected with NPRL3-related conditions. Experimental studies and prediction algorithms are not available or were not evaluated, and the functional significance of this variant is currently unknown. Algorithms developed to predict the effect of sequence changes on RNA splicing suggest that this variant may create or strengthen a splice site. In summary, the available evidence is currently insufficient to determine the role of this variant in disease. Therefore, it has been classified as a Variant of Uncertain Significance.